The following is an entry in ClinVar:

ClinVar aggregate classification (germline): Pathogenic/Likely pathogenic. Review status: criteria provided, multiple submitters, no conflicts (2 of 4 stars). 2 submissions from 2 submitters: Pathogenic (1); Likely pathogenic (1). Last evaluated 2024-07-01.

Conditions:
Short-rib thoracic dysplasia 14 with polydactyly (SRTD14). Identifiers: Orphanet 397715, MedGen C4225286, MONDO:0014688, OMIM 616546.
Joubert syndrome 23 (JBTS23). Identifiers: Orphanet 475, MedGen C4084822, MONDO:0014664, OMIM 616490.
KIAA0586-related disorder. Also called: KIAA0586- Related disorders; KIAA0586-related condition.

Allele frequency attached by ClinVar (database versions not stated): gnomAD exomes below 0.00001; TOPMed below 0.00001; gnomAD 0.00001; ExAC 0.00003.
gnomAD v4.1: 4 of 1,544,678 alleles (0.00026%); highest among the groups gnomAD compares: Non-Finnish European, 0.00035%; no homozygotes.

Submissions (2):

Blueprint Genetics
Classification: Likely pathogenic for KIAA0586-related disorders. Last evaluated: 2024-07-01. Review status: criteria provided, single submitter. Criteria: ACMG Guidelines, 2015. Collection method: clinical testing. Allele origin: germline. Affected: yes. Observed: 3 variant alleles.

Labcorp Genetics (formerly Invitae), Labcorp
Classification: Pathogenic for Joubert syndrome 23; Short-rib thoracic dysplasia 14 with polydactyly. Last evaluated: 2023-08-19. Review status: criteria provided, single submitter. Criteria: Invitae Variant Classification Sherloc (09022015). Collection method: clinical testing. Allele origin: germline.
Comment: For these reasons, this variant has been classified as Pathogenic. ClinVar contains an entry for this variant (Variation ID: 2107486). This variant has not been reported in the literature in individuals affected with KIAA0586-related conditions. The frequency data for this variant in the population databases is considered unreliable, as metrics indicate poor data quality at this position in the gnomAD database. This sequence change creates a premature translational stop signal (p.Ser1511*) in the KIAA0586 gene. It is expected to result in an absent or disrupted protein product. Loss-of-function variants in KIAA0586 are known to be pathogenic (PMID: 26096313, 26166481, 26386044).

Literature cited by the submitters: PubMed 26096313 (cited by Labcorp Genetics (formerly Invitae), Labcorp); PubMed 26166481 (cited by Labcorp Genetics (formerly Invitae), Labcorp); PubMed 26386044 (cited by Labcorp Genetics (formerly Invitae), Labcorp).

NM_001329943.3(KIAA0586):c.4373C>G (p.Ser1458Ter)

Gene: KIAA0586 (KIAA0586; plus strand). Cytogenetic location: 14q23.1.
Variant type: single nucleotide variant.
Coding change: c.4373C>G on transcript NM_001329943.3 (MANE Select); coding-DNA position 4373, C replaced by G.
Protein change: p.Ser1458Ter; replaces serine 1458 with a stop codon.
Molecular consequence: nonsense.
Genome position (GRCh38, 1-based): chr14:58,512,571, C>G. VCF-style: chr14-58512571-C-G. GRCh37 (hg19) VCF-style: chr14-58979289-C-G.
Other names: c.4532C>G, p.Ser1511Ter (NM_001244189.2); c.4328C>G, p.Ser1443Ter (NM_001244190.2); c.4118C>G, p.Ser1373Ter (NM_001244191.2, NM_001329945.2, NM_001364700.1 and 1 more transcripts); c.4241C>G, p.Ser1414Ter (NM_001244192.2, NM_001329947.2); c.3953C>G, p.Ser1318Ter (NM_001244193.2); c.4373C>G, p.Ser1458Ter (NM_001329944.2, NM_001329946.2); c.4145C>G, p.Ser1382Ter (NM_014749.5); short protein forms S1373*, S1511*, S1382*, S1414*, S1443*, S1318*, S1458*.
Identifiers: ClinVar variation 2107486 (VCV002107486.5), dbSNP rs773507064, ClinGen allele CA7206380.
Genomic context (GRCh38, chr14:58,512,571, plus strand): 5'-AAATTATTTAGTACCAACTAAAGCAAAATCAGGATGTTAAGCAAGTTGAACACAAACCAT[C>G]ACAAAGTTACCTACGTGTTAGAAATAAATCTGATATTGCACCTTCACAGCAACAAGGTAA-3'